The following is an entry in ClinVar:

ClinVar aggregate classification (germline): Uncertain significance (1 of 4 stars; one submission).

Submission:

GeneDx
Classification: Uncertain significance. Last evaluated: 2023-11-10. Review status: criteria provided, single submitter. Criteria: GeneDx Variant Classification Process June 2021. Collection method: clinical testing. Allele origin: germline. Affected: yes.
Comment: Not observed at significant frequency in large population cohorts (gnomAD); In silico analysis supports that this missense variant does not alter protein structure/function; Has not been previously published as pathogenic or benign to our knowledge

NM_170606.3(KMT2C):c.12376T>G (p.Leu4126Val)

Gene: KMT2C (lysine methyltransferase 2C; minus strand). Cytogenetic location: 7q36.1.
Variant type: single nucleotide variant.
Coding change: c.12376T>G on transcript NM_170606.3 (MANE Select); coding-DNA position 12376, T replaced by G.
Protein change: p.Leu4126Val; replaces leucine 4126 with valine.
Molecular consequence: missense variant.
Genome position (GRCh38, 1-based): chr7:152,152,855, A>C on the plus strand (T>G on the coding strand, the complement: KMT2C is on the minus strand). VCF-style: chr7-152152855-A-C. GRCh37 (hg19) VCF-style: chr7-151849940-A-C.
Other names: short protein forms L4126V.
Identifiers: ClinVar variation 3363886 (VCV003363886.1).